The following is an entry in ClinVar:

NM_005334.3(HCFC1):c.5332G>A (p.Ala1778Thr)

Gene: HCFC1 (host cell factor C1; minus strand). Cytogenetic location: Xq28.
Variant type: single nucleotide variant.
Coding change: c.5332G>A on transcript NM_005334.3 (MANE Select); coding-DNA position 5332, G replaced by A.
Protein change: p.Ala1778Thr; replaces alanine 1778 with threonine.
Molecular consequence: missense variant.
Genome position (GRCh38, 1-based): chrX:153,951,636, C>T on the plus strand (G>A on the coding strand, the complement: HCFC1 is on the minus strand). VCF-style: chrX-153951636-C-T. GRCh37 (hg19) VCF-style: chrX-153217087-C-T.
Other names: c.5467G>A, p.Ala1823Thr (NM_001410705.1); short protein forms A1778T, A1823T.
Identifiers: ClinVar variation 3377825 (VCV003377825.1).

ClinVar aggregate classification (germline): Uncertain significance (1 of 4 stars; one submission).

Submission:

GeneDx
Classification: Uncertain significance. Last evaluated: 2024-05-17. Review status: criteria provided, single submitter. Criteria: GeneDx Variant Classification Process June 2021. Collection method: clinical testing. Allele origin: germline. Affected: yes.
Comment: Not observed at significant frequency in large population cohorts (gnomAD); In silico analysis indicates that this missense variant does not alter protein structure/function; Has not been previously published as pathogenic or benign to our knowledge